The following is an entry in ClinVar:

ClinVar aggregate classification (germline): Conflicting classifications of pathogenicity. Review status: criteria provided, conflicting classifications (1 of 4 stars). 3 submissions from 3 submitters: Uncertain significance (1); Likely benign (2). Last evaluated 2025-12-28.

Conditions:
Hereditary cancer-predisposing syndrome. Also called: Neoplastic Syndromes, Hereditary; Tumor predisposition; Hereditary Cancer Syndrome; Hereditary neoplastic syndrome. Identifiers: Orphanet 140162, MedGen C0027672, MeSH D009386, MONDO:0015356.

Allele frequency attached by ClinVar (database versions not stated): gnomAD exomes below 0.00001 and 0.00003; gnomAD 0.00001 and 0.00003; TOPMed 0.00001; ExAC 0.00002; 1000 Genomes Project 30x 0.00016; 1000 Genomes Project 0.00020.
gnomAD v4.1: 10 of 1,612,850 alleles (0.00062%); highest among the groups gnomAD compares: Middle Eastern, 0.05%; no homozygotes.

Submissions (3):

Labcorp Genetics (formerly Invitae), Labcorp
Classification: Likely benign. Last evaluated: 2025-12-28. Review status: criteria provided, single submitter. Criteria: Invitae Variant Classification Sherloc (09022015). Collection method: clinical testing. Allele origin: germline.

Ambry Genetics
Classification: Likely benign for Hereditary cancer-predisposing syndrome. Last evaluated: 2025-02-19. Review status: criteria provided, single submitter. Criteria: Ambry Variant Classification Scheme 2023. Collection method: clinical testing. Allele origin: germline.

GeneDx
Classification: Uncertain significance. Last evaluated: 2023-04-03. Review status: criteria provided, single submitter. Criteria: GeneDx Variant Classification Process June 2021. Collection method: clinical testing. Allele origin: germline. Affected: yes.
Comment: In silico analysis is inconclusive as to whether the variant alters gene splicing. In the absence of RNA/functional studies, the actual effect of this sequence change is unknown.; Has not been previously published as pathogenic or benign to our knowledge; This variant is associated with the following publications: (PMID: 29974678)

NM_006231.4(POLE):c.3061-4C>G

Gene: POLE (DNA polymerase epsilon, catalytic subunit; minus strand). Cytogenetic location: 12q24.33.
Variant type: single nucleotide variant.
Coding change: c.3061-4C>G on transcript NM_006231.4 (MANE Select); 4 bases into the intron before coding-DNA position 3061, C replaced by G.
Molecular consequence: intron variant.
Genome position (GRCh38, 1-based): chr12:132,659,513, G>C on the plus strand (C>G on the coding strand, the complement: POLE is on the minus strand). VCF-style: chr12-132659513-G-C. GRCh37 (hg19) VCF-style: chr12-133236099-G-C.
Identifiers: ClinVar variation 413495 (VCV000413495.16), dbSNP rs201517516, ClinGen allele CA6893365.